The following is an entry in ClinVar:

ClinVar aggregate classification (germline): Benign/Likely benign. Review status: criteria provided, multiple submitters, no conflicts (2 of 4 stars). 5 submissions from 5 submitters: Benign (3); Likely benign (1). 1 of the submissions does not count toward it. Last evaluated 2026-02-01.

Conditions:
Atrial conduction disease. Identifiers: Orphanet 436242, MedGen CN221670, MONDO:0014500.
TNNI3K-related disorder. Also called: TNNI3K-related condition.

Allele frequency attached by ClinVar (database versions not stated): gnomAD exomes 0.00040 and 0.00109; ExAC 0.00139; gnomAD 0.00480 and 0.00505; TOPMed 0.00531; ESP Exome Variant Server 0.00561; 1000 Genomes Project 0.00619; 1000 Genomes Project 30x 0.00625.
gnomAD v4.1: 1,348 of 1,610,426 alleles (0.084%); highest among the groups gnomAD compares: African/African-American, 1.6%; 10 homozygotes.

Submissions (5):

Labcorp Genetics (formerly Invitae), Labcorp
Classification: Benign. Last evaluated: 2026-02-01. Review status: criteria provided, single submitter. Criteria: Invitae Variant Classification Sherloc (09022015). Collection method: clinical testing. Allele origin: germline.

ARUP Laboratories, Molecular Genetics and Genomics, ARUP Laboratories
Classification: Likely benign for Cardiac conduction disease with or without dilated cardiomyopathy 1. Last evaluated: 2025-05-14. Review status: criteria provided, single submitter. Criteria: ARUP Molecular Germline Variant Investigation Process 2024. Collection method: clinical testing. Allele origin: germline.

Molecular Diagnostic Laboratory for Inherited Cardiovascular Disease, Montreal Heart Institute
Classification: Benign. Last evaluated: 2025-04-09. Review status: criteria provided, single submitter. Criteria: ACMG Guidelines, 2015. Collection method: clinical testing. Allele origin: germline. Affected: no.

Mayo Clinic Laboratories, Mayo Clinic
Classification: Benign. Last evaluated: 2024-03-01. Review status: criteria provided, single submitter. Criteria: ACMG Guidelines, 2015. Collection method: clinical testing. Allele origin: germline. Observed: 6 variant alleles.
Comment: BS1, BS2, BP4, BP7

PreventionGenetics, part of Exact Sciences
Classification: Benign for TNNI3K-related condition. Last evaluated: 2019-05-27. Review status: no assertion criteria provided. Collection method: clinical testing. Allele origin: germline. Not counted in ClinVar's aggregate classification.
Comment: This variant is classified as benign based on ACMG/AMP sequence variant interpretation guidelines (Richards et al. 2015 PMID: 25741868, with internal and published modifications).

NM_015978.3(TNNI3K):c.2431+6T>C

Genes: FPGT-TNNI3K (FPGT-TNNI3K readthrough; plus strand), TNNI3K (TNNI3 interacting kinase; plus strand). Cytogenetic location: 1p31.1.
Variant type: single nucleotide variant.
Coding change: c.2431+6T>C on transcript NM_015978.3 (MANE Select); 6 bases into the intron after coding-DNA position 2431, T replaced by C.
Molecular consequence: intron variant.
Genome position (GRCh38, 1-based): chr1:74,540,319, T>C. VCF-style: chr1-74540319-T-C. GRCh37 (hg19) VCF-style: chr1-75006003-T-C.
Other names: p.?; c.2734+6T>C (NM_001112808.3).
Identifiers: ClinVar variation 1553375 (VCV001553375.13), dbSNP rs142423652, ClinGen allele CA909897.
Genomic context (GRCh38, chr1:74,540,319, plus strand): 5'-CTGTCTTTGGAGGAGATGAAAAGAAGTCTTCAATACACACCCATTGACAAATATGGTAAG[T>C]AGGCAGATTCTTTAGGTTTGTTAAGAAAACTACCCCTAGGAAGGTGATGTCTATTTGACA-3'